The following is an entry in ClinVar:

NM_030665.4(RAI1):c.4855G>T (p.Asp1619Tyr)

Gene: RAI1 (retinoic acid induced 1; plus strand). Cytogenetic location: 17p11.2.
Variant type: single nucleotide variant.
Coding change: c.4855G>T on transcript NM_030665.4 (MANE Select); coding-DNA position 4855, G replaced by T.
Protein change: p.Asp1619Tyr; replaces aspartic acid 1619 with tyrosine.
Molecular consequence: missense variant.
Genome position (GRCh38, 1-based): chr17:17,797,803, G>T. VCF-style: chr17-17797803-G-T. GRCh37 (hg19) VCF-style: chr17-17701117-G-T.
Other names: short protein forms D1619Y.
Identifiers: ClinVar variation 1205953 (VCV001205953.10), dbSNP rs752659701, ClinGen allele CA8419044.

ClinVar aggregate classification (germline): Conflicting classifications of pathogenicity. Review status: criteria provided, conflicting classifications (1 of 4 stars). 4 submissions from 4 submitters: Uncertain significance (1); Benign (1). 2 of the submissions do not count toward it. Last evaluated 2023-10-03.

Allele frequency attached by ClinVar (database versions not stated): TOPMed below 0.00001; ExAC 0.00001; gnomAD 0.00002.

Submissions (4):

Labcorp Genetics (formerly Invitae), Labcorp
Classification: Benign. Last evaluated: 2023-10-03. Review status: criteria provided, single submitter. Criteria: Invitae Variant Classification Sherloc (09022015). Collection method: clinical testing. Allele origin: germline.

GeneDx
Classification: Uncertain significance. Last evaluated: 2021-02-18. Review status: criteria provided, single submitter. Criteria: GeneDx Variant Classification Process June 2021. Collection method: clinical testing. Allele origin: germline. Affected: yes.
Comment: Not observed in large population cohorts (Lek et al., 2016); In silico analysis supports that this missense variant has a deleterious effect on protein structure/function; Has not been previously published as pathogenic or benign to our knowledge

Clinical Genetics DNA and cytogenetics Diagnostics Lab, Erasmus MC, Erasmus Medical Center
Classification: Uncertain significance. Review status: no assertion criteria provided. Collection method: clinical testing. Allele origin: germline. Affected: yes. Study: VKGL Data-share Consensus. Not counted in ClinVar's aggregate classification.

Laboratory of Diagnostic Genome Analysis, Leiden University Medical Center (LUMC)
Classification: Uncertain significance. Review status: no assertion criteria provided. Collection method: clinical testing. Allele origin: germline. Affected: yes. Study: VKGL Data-share Consensus. Not counted in ClinVar's aggregate classification.